The following is an entry in ClinVar:

NM_000052.7(ATP7A):c.2470A>G (p.Thr824Ala)

Gene: ATP7A (ATPase copper transporting alpha; plus strand). Cytogenetic location: Xq21.1.
Variant type: single nucleotide variant.
Coding change: c.2470A>G on transcript NM_000052.7 (MANE Select); coding-DNA position 2470, A replaced by G.
Protein change: p.Thr824Ala; replaces threonine 824 with alanine.
Molecular consequence: missense variant.
Genome position (GRCh38, 1-based): chrX:78,014,725, A>G. VCF-style: chrX-78014725-A-G. GRCh37 (hg19) VCF-style: chrX-77270222-A-G.
Other names: c.2236A>G, p.Thr746Ala (NM_001282224.2); short protein forms T746A, T824A.
Identifiers: ClinVar variation 4789446 (VCV004789446.1).

ClinVar aggregate classification (germline): Uncertain significance (1 of 4 stars; one submission).

Conditions:
Menkes kinky-hair syndrome (MNK). Also called: Menkes Disease; Copper transport disease; Classic Menkes Disease. Identifiers: Orphanet 565, MedGen C0022716, MONDO:0010651, OMIM 309400.
Cutis laxa, X-linked (OHS). Also called: EDS IX; Occipital horn syndrome. Identifiers: Orphanet 198, MedGen C0268353, MONDO:0010572, OMIM 304150.
X-linked distal spinal muscular atrophy type 3. Also called: ATP7A-Related Distal Motor Neuropathy; SPINAL MUSCULAR ATROPHY, DISTAL, X-LINKED RECESSIVE; NEURONOPATHY, DISTAL HEREDITARY MOTOR, X-LINKED; NEUROPATHY, DISTAL HEREDITARY MOTOR, X-LINKED. Identifiers: Orphanet 139557, MedGen C1845359, MONDO:0010338, OMIM 300489.

Submission:

Labcorp Genetics (formerly Invitae), Labcorp
Classification: Uncertain significance for X-linked distal spinal muscular atrophy type 3; Cutis laxa, X-linked; Menkes kinky-hair syndrome. Last evaluated: 2025-02-02. Review status: criteria provided, single submitter. Criteria: Invitae Variant Classification Sherloc (09022015). Collection method: clinical testing. Allele origin: germline.
Comment: This sequence change replaces threonine, which is neutral and polar, with alanine, which is neutral and non-polar, at codon 824 of the ATP7A protein (p.Thr824Ala). This variant is not present in population databases (gnomAD no frequency). This variant has not been reported in the literature in individuals affected with ATP7A-related conditions. Invitae Evidence Modeling of protein sequence and biophysical properties (such as structural, functional, and spatial information, amino acid conservation, physicochemical variation, residue mobility, and thermodynamic stability) indicates that this missense variant is not expected to disrupt ATP7A protein function with a negative predictive value of 95%. In summary, the available evidence is currently insufficient to determine the role of this variant in disease. Therefore, it has been classified as a Variant of Uncertain Significance.